The following is an entry in ClinVar:

ClinVar aggregate classification (germline): Uncertain significance. Review status: criteria provided, multiple submitters, no conflicts (2 of 4 stars). 2 submissions from 2 submitters: Uncertain significance (2). Last evaluated 2025-02-10.

Conditions:
Cranioectodermal dysplasia 1 (CED1). Also called: LEVIN SYNDROME I. Identifiers: Orphanet 1515, MedGen C0432235, MONDO:0021093, OMIM 218330.

Allele frequency attached by ClinVar (database versions not stated): ExAC 0.00003; gnomAD 0.00003; gnomAD exomes 0.00004; ESP Exome Variant Server 0.00008; TOPMed 0.00008.

Submissions (2):

Labcorp Genetics (formerly Invitae), Labcorp
Classification: Uncertain significance for Cranioectodermal dysplasia 1. Last evaluated: 2025-02-10. Review status: criteria provided, single submitter. Criteria: Invitae Variant Classification Sherloc (09022015). Collection method: clinical testing. Allele origin: germline.
Comment: This sequence change replaces aspartic acid, which is acidic and polar, with asparagine, which is neutral and polar, at codon 361 of the IFT122 protein (p.Asp361Asn). This variant is present in population databases (rs141736617, gnomAD 0.006%). This variant has not been reported in the literature in individuals affected with IFT122-related conditions. ClinVar contains an entry for this variant (Variation ID: 2053723). Invitae Evidence Modeling of protein sequence and biophysical properties (such as structural, functional, and spatial information, amino acid conservation, physicochemical variation, residue mobility, and thermodynamic stability) indicates that this missense variant is not expected to disrupt IFT122 protein function with a negative predictive value of 80%. In summary, the available evidence is currently insufficient to determine the role of this variant in disease. Therefore, it has been classified as a Variant of Uncertain Significance.

Fulgent Genetics
Classification: Uncertain significance for Cranioectodermal dysplasia 1. Last evaluated: 2024-03-08. Review status: criteria provided, single submitter. Criteria: ACMG Guidelines, 2015. Collection method: clinical testing. Allele origin: germline.

NM_052989.3(IFT122):c.928G>A (p.Asp310Asn)

Gene: IFT122 (intraflagellar transport 122; plus strand). Cytogenetic location: 3q21.3.
Variant type: single nucleotide variant.
Coding change: c.928G>A on transcript NM_052989.3 (MANE Select); coding-DNA position 928, G replaced by A.
Protein change: p.Asp310Asn; replaces aspartic acid 310 with asparagine.
Molecular consequence: missense variant.
Genome position (GRCh38, 1-based): chr3:129,476,426, G>A. VCF-style: chr3-129476426-G-A. GRCh37 (hg19) VCF-style: chr3-129195269-G-A.
Other names: c.904G>A, p.Asp302Asn (NM_001280541.2); c.478G>A, p.Asp160Asn (NM_001280545.2); c.301G>A, p.Asp101Asn (NM_001280546.2); c.928G>A, p.Asp310Asn (NM_001410808.1, NM_001410809.1); c.751G>A, p.Asp251Asn (NM_001410810.1, NM_001410811.1, NM_001410813.1 and 1 more transcripts); c.595G>A, p.Asp199Asn (NM_001410815.1, NM_001410817.1, NM_052990.3); c.1081G>A, p.Asp361Asn (NM_052985.4); short protein forms D310N, D361N, D160N, D251N, D302N, D101N, D199N.
Identifiers: ClinVar variation 2053723 (VCV002053723.3), dbSNP rs141736617, ClinGen allele CA2606027.